The following is an entry in ClinVar:

ClinVar aggregate classification (germline): Uncertain significance (1 of 4 stars; one submission).

Allele frequency attached by ClinVar (database versions not stated): gnomAD exomes below 0.00001; gnomAD 0.00001; TOPMed 0.00002.
gnomAD v4.1: 7 of 1,610,146 alleles (0.00043%); highest among the groups gnomAD compares: East Asian, 0.0022%; no homozygotes.

Submission:

Labcorp Genetics (formerly Invitae), Labcorp
Classification: Uncertain significance. Last evaluated: 2022-03-29. Review status: criteria provided, single submitter. Criteria: Invitae Variant Classification Sherloc (09022015). Collection method: clinical testing. Allele origin: germline.
Comment: In summary, the available evidence is currently insufficient to determine the role of this variant in disease. Therefore, it has been classified as a Variant of Uncertain Significance. Algorithms developed to predict the effect of missense changes on protein structure and function (SIFT, PolyPhen-2, Align-GVGD) all suggest that this variant is likely to be tolerated. This variant has not been reported in the literature in individuals affected with PRPF31-related conditions. This variant is not present in population databases (gnomAD no frequency). This sequence change replaces tyrosine, which is neutral and polar, with cysteine, which is neutral and slightly polar, at codon 435 of the PRPF31 protein (p.Tyr435Cys).

NM_015629.4(PRPF31):c.1304A>G (p.Tyr435Cys)

Gene: PRPF31 (pre-mRNA processing factor 31; plus strand). Cytogenetic location: 19q13.42.
Variant type: single nucleotide variant.
Coding change: c.1304A>G on transcript NM_015629.4 (MANE Select); coding-DNA position 1304, A replaced by G.
Protein change: p.Tyr435Cys; replaces tyrosine 435 with cysteine.
Molecular consequence: missense variant.
Genome position (GRCh38, 1-based): chr19:54,129,300, A>G. VCF-style: chr19-54129300-A-G. GRCh37 (hg19) VCF-style: chr19-54632675-A-G.
Other names: short protein forms Y435C.
Identifiers: ClinVar variation 2119631 (VCV002119631.4), dbSNP rs1318607765, ClinGen allele CA407755597.
Genomic context (GRCh38, chr19:54,129,300, plus strand): 5'-CCCAGATCGCAGCCTCCCTGTCCTCCCCACAGCGGACCCTGCAGAAGCAGAGCGTCGTAT[A>G]TGGCGGGAAGTCCACCATCCGCGACCGCTCCTCGGGCACGGCCTCCAGCGTGGCCTTCAC-3'
Protein context (NP_056444.3, residues 425-445): QRTLQKQSVV[Tyr435Cys]GGKSTIRDRS